The following is an entry in ClinVar:

ClinVar aggregate classification (germline): Uncertain significance (1 of 4 stars; one submission).

Conditions:
Familial thoracic aortic aneurysm and aortic dissection (TAAD). Also called: Thoracic aortic aneurysms and dissections. Identifiers: Orphanet 91387, MedGen C4707243, MONDO:0019625.

Submission:

Ambry Genetics
Classification: Uncertain significance for Familial thoracic aortic aneurysm and aortic dissection. Last evaluated: 2025-03-25. Review status: criteria provided, single submitter. Criteria: Ambry Variant Classification Scheme 2023. Collection method: clinical testing. Allele origin: germline.
Comment: The p.C922R variant (also known as c.2764T>C), located in coding exon 18 of the NOTCH1 gene, results from a T to C substitution at nucleotide position 2764. The cysteine at codon 922 is replaced by arginine, an amino acid with highly dissimilar properties. This amino acid position is conserved. In addition, this alteration is predicted to be deleterious by in silico analysis. Based on the available evidence, the clinical significance of this variant remains unclear.

NM_017617.5(NOTCH1):c.2764T>C (p.Cys922Arg)

Gene: NOTCH1 (notch receptor 1; minus strand). Cytogenetic location: 9q34.3.
Variant type: single nucleotide variant.
Coding change: c.2764T>C on transcript NM_017617.5 (MANE Select); coding-DNA position 2764, T replaced by C.
Protein change: p.Cys922Arg; replaces cysteine 922 with arginine.
Molecular consequence: missense variant.
Genome position (GRCh38, 1-based): chr9:136,509,938, A>G on the plus strand (T>C on the coding strand, the complement: NOTCH1 is on the minus strand). VCF-style: chr9-136509938-A-G. GRCh37 (hg19) VCF-style: chr9-139404390-A-G.
Other names: short protein forms C922R.
Identifiers: ClinVar variation 3921040 (VCV003921040.1).